The following is an entry in ClinVar:

NM_006922.4(SCN3A):c.3344T>C (p.Leu1115Ser)

Gene: SCN3A (sodium voltage-gated channel alpha subunit 3; minus strand). Cytogenetic location: 2q24.3.
Variant type: single nucleotide variant.
Coding change: c.3344T>C on transcript NM_006922.4 (MANE Select); coding-DNA position 3344, T replaced by C.
Protein change: p.Leu1115Ser; replaces leucine 1115 with serine.
Molecular consequence: missense variant.
Genome position (GRCh38, 1-based): chr2:165,127,680, A>G on the plus strand (T>C on the coding strand, the complement: SCN3A is on the minus strand). VCF-style: chr2-165127680-A-G. GRCh37 (hg19) VCF-style: chr2-165984190-A-G.
Other names: c.3197T>C, p.Leu1066Ser (NM_001081676.2, NM_001081677.2); c.3344T>C (NM_006922.3); short protein forms L1066S, L1115S.
Identifiers: ClinVar variation 2140924 (VCV002140924.5), dbSNP rs1490411010, ClinGen allele CA349040086.
Genomic context (GRCh38, chr2:165,127,680, plus strand): 5'-AGCATTCTTACCTCTTTGCTTTCTTCTAGTTCTGACTCACTGCTGAACTCTTCAGTATTT[A>G]AGTTTTCAAAGTCAGACTCTCCAACAGCAATTGGCACTGTGACGGTGAGGCTGGGGTTGT-3'
Protein context (NP_008853.3, residues 1105-1125): IAVGESDFEN[Leu1115Ser]NTEEFSSESE

ClinVar aggregate classification (germline): Uncertain significance. Review status: criteria provided, multiple submitters, no conflicts (2 of 4 stars). 2 submissions from 2 submitters: Uncertain significance (2). Last evaluated 2024-06-20.

Allele frequency attached by ClinVar (database versions not stated): gnomAD exomes below 0.00001.
gnomAD v4.1: 1 of 1,614,132 alleles (0.000062%); no homozygotes.

Submissions (2):

GeneDx
Classification: Uncertain significance. Last evaluated: 2024-06-20. Review status: criteria provided, single submitter. Criteria: GeneDx Variant Classification Process June 2021. Collection method: clinical testing. Allele origin: germline. Affected: yes.
Comment: Not observed at significant frequency in large population cohorts (gnomAD); In silico analysis supports that this missense variant has a deleterious effect on protein structure/function; Has not been previously published as pathogenic or benign to our knowledge

Labcorp Genetics (formerly Invitae), Labcorp
Classification: Uncertain significance. Last evaluated: 2023-06-29. Review status: criteria provided, single submitter. Criteria: Invitae Variant Classification Sherloc (09022015). Collection method: clinical testing. Allele origin: germline.
Comment: This variant is not present in population databases (gnomAD no frequency). This sequence change replaces leucine, which is neutral and non-polar, with serine, which is neutral and polar, at codon 1115 of the SCN3A protein (p.Leu1115Ser). This variant has not been reported in the literature in individuals affected with SCN3A-related conditions. In summary, the available evidence is currently insufficient to determine the role of this variant in disease. Therefore, it has been classified as a Variant of Uncertain Significance. Advanced modeling of protein sequence and biophysical properties (such as structural, functional, and spatial information, amino acid conservation, physicochemical variation, residue mobility, and thermodynamic stability) performed at Invitae indicates that this missense variant is not expected to disrupt SCN3A protein function. ClinVar contains an entry for this variant (Variation ID: 2140924).